The following is an entry in ClinVar:

ClinVar aggregate classification (germline): Uncertain significance (1 of 4 stars; one submission).

Conditions:
Long QT syndrome (LQTS). Identifiers: MedGen C0023976, MeSH D008133, MONDO:0002442. Disease mechanism: loss of function. Inheritance: Various modes of inheritance.

Submission:

Labcorp Genetics (formerly Invitae), Labcorp
Classification: Uncertain significance for Long QT syndrome. Last evaluated: 2025-01-08. Review status: criteria provided, single submitter. Criteria: Invitae Variant Classification Sherloc (09022015). Collection method: clinical testing. Allele origin: germline.
Comment: This sequence change replaces lysine, which is basic and polar, with threonine, which is neutral and polar, at codon 1897 of the ANK2 protein (p.Lys1897Thr). This variant is not present in population databases (gnomAD no frequency). This variant has not been reported in the literature in individuals affected with ANK2-related conditions. Invitae Evidence Modeling of protein sequence and biophysical properties (such as structural, functional, and spatial information, amino acid conservation, physicochemical variation, residue mobility, and thermodynamic stability) indicates that this missense variant is not expected to disrupt ANK2 protein function with a negative predictive value of 80%. In summary, the available evidence is currently insufficient to determine the role of this variant in disease. Therefore, it has been classified as a Variant of Uncertain Significance.

NM_001148.6(ANK2):c.5690A>C (p.Lys1897Thr)

Genes: ANK2 (ankyrin 2; plus strand), LOC126807136 (MED14-independent group 3 enhancer GRCh37_chr4:114274931-114276130; plus strand). Cytogenetic location: 4q26.
Variant type: single nucleotide variant.
Coding change: c.5690A>C on transcript NM_001148.6 (MANE Select); coding-DNA position 5690, A replaced by C.
Protein change: p.Lys1897Thr; replaces lysine 1897 with threonine.
Molecular consequence: missense variant. On other transcripts: intron variant (68).
Genome position (GRCh38, 1-based): chr4:113,354,308, A>C. VCF-style: chr4-113354308-A-C. GRCh37 (hg19) VCF-style: chr4-114275464-A-C.
Other names: c.5456A>C, p.Lys1819Thr (NM_001386142.1); c.2090A>C, p.Lys697Thr (NM_001386166.1); c.5831A>C, p.Lys1944Thr (NM_001386174.1); c.5807A>C, p.Lys1936Thr (NM_001386175.1); c.4411+4059A>C (NM_001386186.2, NM_001386148.2); c.4213+4059A>C (NM_001354269.3); c.4291+4059A>C (NM_001386187.2); c.4252+4059A>C (NM_001386147.1); and 35 more; short protein forms K1819T, K1897T, K1936T, K1944T, K697T.
Identifiers: ClinVar variation 3664699 (VCV003664699.2).
Genomic context (GRCh38, chr4:113,354,308, plus strand): 5'-AACACTCACCTGTATCACCCTCGACAAAAACTGAAAGGCACTCTCCTGTGTCATCTACAA[A>C]AACAGAAAGACACCCACCTGTTTCGCCTTCAGGCAAAACAGACAAACGTCCACCTGTATC-3'
Protein context (NP_001139.3, residues 1887-1907): TERHSPVSST[Lys1897Thr]TERHPPVSPS